The following is an entry in ClinVar:

ClinVar aggregate classification (germline): Uncertain significance (1 of 4 stars; one submission).

Conditions:
Cystic fibrosis (CF). Also called: MUCOVISCIDOSIS. Identifiers: Orphanet 586, MedGen C0010674, MONDO:0009061, OMIM 219700. Disease mechanism: loss of function.

Submission:

Ambry Genetics
Classification: Uncertain significance for Cystic fibrosis. Last evaluated: 2023-07-08. Review status: criteria provided, single submitter. Criteria: Ambry Variant Classification Scheme 2023. Collection method: clinical testing. Allele origin: germline.
Comment: The p.T760A variant (also known as c.2278A>G), located in coding exon 14 of the CFTR gene, results from an A to G substitution at nucleotide position 2278. The threonine at codon 760 is replaced by alanine, an amino acid with similar properties. This amino acid position is conserved. In addition, the in silico prediction for this alteration is inconclusive. Since supporting evidence is limited at this time, the clinical significance of this alteration remains unclear.

NM_000492.4(CFTR):c.2278A>G (p.Thr760Ala)

Gene: CFTR (CF transmembrane conductance regulator; plus strand). Cytogenetic location: 7q31.2.
Variant type: single nucleotide variant.
Coding change: c.2278A>G on transcript NM_000492.4 (MANE Select); coding-DNA position 2278, A replaced by G.
Protein change: p.Thr760Ala; replaces threonine 760 with alanine.
Molecular consequence: missense variant.
Genome position (GRCh38, 1-based): chr7:117,592,445, A>G. VCF-style: chr7-117592445-A-G. GRCh37 (hg19) VCF-style: chr7-117232499-A-G.
Other names: short protein forms T760A.
Identifiers: ClinVar variation 2587606 (VCV002587606.2), dbSNP rs2485110419, ClinGen allele CA368980795.